The following is an entry in ClinVar:

ClinVar aggregate classification (germline): Pathogenic. Review status: criteria provided, single submitter (1 of 4 stars). 3 submissions from 3 submitters: Pathogenic (1). 2 of the submissions do not count toward it. Last evaluated 2024-04-07.

Conditions:
Methylmalonic aciduria due to methylmalonyl-CoA mutase deficiency (MAMM). Also called: Methylmalonic aciduria, mut type. Identifiers: Orphanet 27, MedGen C1855114, MONDO:0009612, OMIM 251000.

Allele frequency attached by ClinVar (database versions not stated): TOPMed below 0.00001; ExAC 0.00001; gnomAD 0.00001; ESP Exome Variant Server 0.00008.
gnomAD v4.1: 19 of 1,613,976 alleles (0.0012%); highest among the groups gnomAD compares: Non-Finnish European, 0.0015%; no homozygotes.

Submissions (3):

Labcorp Genetics (formerly Invitae), Labcorp
Classification: Pathogenic. Last evaluated: 2024-04-07. Review status: criteria provided, single submitter. Criteria: Invitae Variant Classification Sherloc (09022015). Collection method: clinical testing. Allele origin: germline.
Comment: This sequence change replaces methionine, which is neutral and non-polar, with lysine, which is basic and polar, at codon 700 of the MUT protein (p.Met700Lys). This variant is present in population databases (rs140600746, gnomAD 0.0009%). This missense change has been observed in individual(s) with methylmalonic aciduria (PMID: 15643616, 16281286). ClinVar contains an entry for this variant (Variation ID: 218997). Advanced modeling of protein sequence and biophysical properties (such as structural, functional, and spatial information, amino acid conservation, physicochemical variation, residue mobility, and thermodynamic stability) has been performed at Invitae for this missense variant, however the output from this modeling did not meet the statistical confidence thresholds required to predict the impact of this variant on MUT protein function. Experimental studies have shown that this missense change affects MUT function (PMID: 25125334). For these reasons, this variant has been classified as Pathogenic.

Counsyl
Classification: Likely pathogenic for Methylmalonic aciduria due to methylmalonyl-CoA mutase deficiency. Last evaluated: 2017-08-16. Review status: no assertion criteria provided. Collection method: clinical testing. Allele origin: unknown. Not counted in ClinVar's aggregate classification.

GeneReviews
No classification provided. Condition: Methylmalonic aciduria due to methylmalonyl-CoA mutase deficiency. Review status: no classification provided. Collection method: literature only. Allele origin: germline. Affected: yes. Not counted in ClinVar's aggregate classification.
Comment: mut¯ enzymatic subtype

Literature cited by the submitters: PubMed 15643616 (cited by Labcorp Genetics (formerly Invitae), Labcorp and Counsyl); PubMed 16281286 (cited by Labcorp Genetics (formerly Invitae), Labcorp and Counsyl); PubMed 25125334 (cited by Labcorp Genetics (formerly Invitae), Labcorp and Counsyl); PubMed 17113806 (cited by Counsyl); NCBI Bookshelf NBK1231 (cited by GeneReviews).

NM_000255.4(MMUT):c.2099T>A (p.Met700Lys)

Gene: MMUT (methylmalonyl-CoA mutase; minus strand). Cytogenetic location: 6p12.3.
Variant type: single nucleotide variant.
Coding change: c.2099T>A on transcript NM_000255.4 (MANE Select); coding-DNA position 2099, T replaced by A.
Protein change: p.Met700Lys; replaces methionine 700 with lysine.
Molecular consequence: missense variant.
Genome position (GRCh38, 1-based): chr6:49,435,481, A>T on the plus strand (T>A on the coding strand, the complement: MMUT is on the minus strand). VCF-style: chr6-49435481-A-T. GRCh37 (hg19) VCF-style: chr6-49403194-A-T.
Other names: short protein forms M700K.
Identifiers: ClinVar variation 218997 (VCV000218997.6), dbSNP rs140600746, ClinGen allele CA347863.
Genomic context (GRCh38, chr6:49,435,481, plus strand): 5'-CATCACAGTACTAGAAAAATAGAGATAAAAAATACCTGAGGTGGTATCACCCCTCCACAC[A>T]TGACAAGAATATCTGGCCGTCCAAGGGAGTTAAGTTCTTTGATGAGTTCAGGAACTAGGG-3'
Protein context (NP_000246.2, residues 690-710): NSLGRPDILV[Met700Lys]CGGVIPPQDY